The following is an entry in ClinVar:

ClinVar aggregate classification (germline): Uncertain significance (1 of 4 stars; one submission).

Allele frequency attached by ClinVar (database versions not stated): ExAC 0.00002; gnomAD exomes 0.00001.
gnomAD v4.1: 12 of 1,614,188 alleles (0.00074%); highest among the groups gnomAD compares: Non-Finnish European, 0.001%; no homozygotes.

Submission:

Labcorp Genetics (formerly Invitae), Labcorp
Classification: Uncertain significance. Last evaluated: 2025-03-22. Review status: criteria provided, single submitter. Criteria: Invitae Variant Classification Sherloc (09022015). Collection method: clinical testing. Allele origin: germline.
Comment: This sequence change replaces threonine, which is neutral and polar, with alanine, which is neutral and non-polar, at codon 806 of the FLNB protein (p.Thr806Ala). This variant is present in population databases (rs758759547, gnomAD 0.002%). This variant has not been reported in the literature in individuals affected with FLNB-related conditions. ClinVar contains an entry for this variant (Variation ID: 2001443). Invitae Evidence Modeling of protein sequence and biophysical properties (such as structural, functional, and spatial information, amino acid conservation, physicochemical variation, residue mobility, and thermodynamic stability) indicates that this missense variant is not expected to disrupt FLNB protein function with a negative predictive value of 80%. In summary, the available evidence is currently insufficient to determine the role of this variant in disease. Therefore, it has been classified as a Variant of Uncertain Significance.

NM_001457.4(FLNB):c.2416A>G (p.Thr806Ala)

Gene: FLNB (filamin B; plus strand). Cytogenetic location: 3p14.3.
Variant type: single nucleotide variant.
Coding change: c.2416A>G on transcript NM_001457.4 (MANE Select); coding-DNA position 2416, A replaced by G.
Protein change: p.Thr806Ala; replaces threonine 806 with alanine.
Molecular consequence: missense variant.
Genome position (GRCh38, 1-based): chr3:58,110,102, A>G. VCF-style: chr3-58110102-A-G. GRCh37 (hg19) VCF-style: chr3-58095829-A-G.
Other names: c.2416A>G, p.Thr806Ala (NM_001164317.2, NM_001164318.2, NM_001164319.2); short protein forms T806A.
Identifiers: ClinVar variation 2001443 (VCV002001443.4), dbSNP rs758759547, ClinGen allele CA2468118.